The following is an entry in ClinVar:

NM_182916.3(TRNT1):c.499T>C (p.Phe167Leu)

Gene: TRNT1 (tRNA nucleotidyl transferase 1; plus strand). Cytogenetic location: 3p26.2.
Variant type: single nucleotide variant.
Coding change: c.499T>C on transcript NM_182916.3 (MANE Select); coding-DNA position 499, T replaced by C.
Protein change: p.Phe167Leu; replaces phenylalanine 167 with leucine.
Molecular consequence: missense variant. On other transcripts: non-coding transcript variant (8).
Genome position (GRCh38, 1-based): chr3:3,144,601, T>C. VCF-style: chr3-3144601-T-C. GRCh37 (hg19) VCF-style: chr3-3186285-T-C.
Other names: c.499T>C, p.Phe167Leu (NM_001302946.2, NM_001367321.1, NM_001367322.1 and 1 more transcripts); short protein forms F167L.
Identifiers: ClinVar variation 1401076 (VCV001401076.8), dbSNP rs2126031119, ClinGen allele CA351445077.

ClinVar aggregate classification (germline): Uncertain significance (1 of 4 stars; one submission).

Conditions:
Congenital sideroblastic anemia-B-cell immunodeficiency-periodic fever-developmental delay syndrome. Also called: Sideroblastic anemia with B-cell immunodeficiency, periodic fevers, and developmental delay. Identifiers: Orphanet 369861, MedGen C4015172, MONDO:0014487, OMIM 616084.

Submission:

Labcorp Genetics (formerly Invitae), Labcorp
Classification: Uncertain significance for Congenital sideroblastic anemia-B-cell immunodeficiency-periodic fever-developmental delay syndrome. Last evaluated: 2021-03-09. Review status: criteria provided, single submitter. Criteria: Invitae Variant Classification Sherloc (09022015). Collection method: clinical testing. Allele origin: germline.
Comment: This sequence change replaces phenylalanine with leucine at codon 167 of the TRNT1 protein (p.Phe167Leu). The phenylalanine residue is weakly conserved and there is a small physicochemical difference between phenylalanine and leucine. This variant is not present in population databases (ExAC no frequency). This variant has not been reported in the literature in individuals with TRNT1-related conditions. Algorithms developed to predict the effect of missense changes on protein structure and function (SIFT, PolyPhen-2, Align-GVGD) all suggest that this variant is likely to be tolerated, but these predictions have not been confirmed by published functional studies and their clinical significance is uncertain. In summary, the available evidence is currently insufficient to determine the role of this variant in disease. Therefore, it has been classified as a Variant of Uncertain Significance.